The following is an entry in ClinVar:

NM_003998.4(NFKB1):c.1115C>T (p.Ser372Leu)

Gene: NFKB1 (nuclear factor kappa B subunit 1; plus strand). Cytogenetic location: 4q24.
Variant type: single nucleotide variant.
Coding change: c.1115C>T on transcript NM_003998.4 (MANE Select); coding-DNA position 1115, C replaced by T.
Protein change: p.Ser372Leu; replaces serine 372 with leucine.
Molecular consequence: missense variant.
Genome position (GRCh38, 1-based): chr4:102,593,473, C>T. VCF-style: chr4-102593473-C-T. GRCh37 (hg19) VCF-style: chr4-103514630-C-T.
Other names: c.1112C>T, p.Ser371Leu (NM_001165412.2, NM_001319226.2, NM_001382627.1); c.1115C>T, p.Ser372Leu (NM_001382625.1, NM_001382626.1); c.1073C>T, p.Ser358Leu (NM_001382628.1); short protein forms S372L, S358L, S371L.
Identifiers: ClinVar variation 1346194 (VCV001346194.9), dbSNP rs371719137, ClinGen allele CA3026066.

ClinVar aggregate classification (germline): Uncertain significance. Review status: criteria provided, multiple submitters, no conflicts (2 of 4 stars). 2 submissions from 2 submitters: Uncertain significance (2). Last evaluated 2026-03-23.

Conditions:
Immunodeficiency, common variable, 12 (CVID12). Also called: IMMUNODEFICIENCY, COMMON VARIABLE, 12, WITH AUTOIMMUNITY; NFKB1 DEFICIENCY. Identifiers: Orphanet 1572, Orphanet 696874, MedGen C4225277, MONDO:0014697, OMIM 616576.

Allele frequency attached by ClinVar (database versions not stated): gnomAD exomes below 0.00001; TOPMed below 0.00001; ExAC 0.00001; gnomAD 0.00001; ESP Exome Variant Server 0.00008.
gnomAD v4.1: 8 of 1,613,444 alleles (0.0005%); highest among the groups gnomAD compares: South Asian, 0.0022%; no homozygotes.

Submissions (2):

Clinical Genomics Laboratory, Washington University in St. Louis
Classification: Uncertain significance for Immunodeficiency, common variable, 12. Last evaluated: 2026-03-23. Review status: criteria provided, single submitter. Criteria: ACMG Guidelines, 2015. Collection method: clinical testing. Allele origin: germline.
Comment: The NFKB1 c.1115C>T (p.Ser372Leu) variant has been reported in at least one individual diagnosed with common variable immunodeficiency without any additional information (Lorenzini T et al., PMID: 32278790) and is reported in the ClinVar database as a germline variant of uncertain significance by one submitter. This variant is only observed in 1/251244 alleles in the general population (gnomAD v2.1.1), indicating it is not a common variant. Computational predictors suggest that the variant does not impact NFKB1 function. In support of this prediction, functional studies have only showed a mildly reduced DNA binding activity, with most other functions behaving normally (Fliegauf M et al., PMID: 36105815; Li J et al., PMID: 34473196). Due to limited information, and based on ACMG/AMP guidelines for variant interpretation (Richards S et al., PMID: 25741868), the clinical significance of this variant is uncertain at this time.

Labcorp Genetics (formerly Invitae), Labcorp
Classification: Uncertain significance. Last evaluated: 2024-05-24. Review status: criteria provided, single submitter. Criteria: Invitae Variant Classification Sherloc (09022015). Collection method: clinical testing. Allele origin: germline.
Comment: This sequence change replaces serine, which is neutral and polar, with leucine, which is neutral and non-polar, at codon 372 of the NFKB1 protein (p.Ser372Leu). This variant is present in population databases (rs371719137, gnomAD 0.0009%). This variant has not been reported in the literature in individuals affected with NFKB1-related conditions. ClinVar contains an entry for this variant (Variation ID: 1346194). Advanced modeling of protein sequence and biophysical properties (such as structural, functional, and spatial information, amino acid conservation, physicochemical variation, residue mobility, and thermodynamic stability) performed at Invitae indicates that this missense variant is not expected to disrupt NFKB1 protein function with a negative predictive value of 80%. Experimental studies have shown that this missense change does not substantially affect NFKB1 function (PMID: 36105815). In summary, the available evidence is currently insufficient to determine the role of this variant in disease. Therefore, it has been classified as a Variant of Uncertain Significance.

Literature cited by the submitters: PubMed 36105815 (cited by Labcorp Genetics (formerly Invitae), Labcorp).